The following is an entry in ClinVar:

ClinVar aggregate classification (germline): Uncertain significance. Review status: criteria provided, multiple submitters, no conflicts (2 of 4 stars). 3 submissions from 3 submitters: Uncertain significance (3). Last evaluated 2025-10-31.

Conditions:
Cardiovascular phenotype. Identifiers: MedGen CN230736.
Hereditary cancer-predisposing syndrome. Also called: Hereditary Cancer Syndrome; Tumor predisposition; Hereditary neoplastic syndrome; Neoplastic Syndromes, Hereditary. Identifiers: Orphanet 140162, MedGen C0027672, MeSH D009386, MONDO:0015356.
Neurofibromatosis, type 1 (NF1). Also called: Peripheral type neurofibromatosis; Neurofibromatosis, type I; VON RECKLINGHAUSEN DISEASE; NEUROFIBROMATOSIS, TYPE I, SOMATIC. Identifiers: Orphanet 636, MedGen C0027831, MONDO:0018975, OMIM 162200. Disease mechanism: loss of function.
Neurofibromatosis-Noonan syndrome (NFNS). Also called: NEUROFIBROMATOSIS WITH NOONAN PHENOTYPE. Identifiers: Orphanet 638, MedGen C2931482, MONDO:0011035, OMIM 601321. Disease mechanism: loss of function.
Café-au-lait macules with pulmonary stenosis (WTSN). Also called: PULMONIC STENOSIS WITH CAFE-AU-LAIT SPOTS. Identifiers: MedGen C0553586, MONDO:0008672, OMIM 193520.
Juvenile myelomonocytic leukemia (JMML). Also called: LEUKEMIA, JUVENILE MYELOMONOCYTIC, SOMATIC. Identifiers: Orphanet 86834, MedGen C0349639, MONDO:0011908, OMIM 607785, HP:0012209.
Neurofibromatosis, familial spinal (FSNF). Identifiers: Orphanet 636, MedGen C1834235, MONDO:0008078, OMIM 162210. Disease mechanism: loss of function.

Allele frequency attached by ClinVar (database versions not stated): gnomAD exomes below 0.00001; ExAC 0.00001.
gnomAD v4.1: 1 of 1,614,168 alleles (0.000062%); highest among the groups gnomAD compares: African/African-American, 0.0013%; no homozygotes.

Submissions (3):

Ambry Genetics
Classification: Uncertain significance for Cardiovascular phenotype; Hereditary cancer-predisposing syndrome. Last evaluated: 2025-10-31. Review status: criteria provided, single submitter. Criteria: Ambry Variant Classification Scheme 2023. Collection method: clinical testing. Allele origin: germline.
Comment: The p.T1184R variant (also known as c.3551C>G), located in coding exon 27 of the NF1 gene, results from a C to G substitution at nucleotide position 3551. The threonine at codon 1184 is replaced by arginine, an amino acid with similar properties. This amino acid position is conserved. In addition, this alteration is predicted to be deleterious by in silico analysis. Based on the available evidence, the clinical significance of this variant remains unclear.

Fulgent Genetics
Classification: Uncertain significance for Neurofibromatosis, type 1; Neurofibromatosis, familial spinal; Café-au-lait macules with pulmonary stenosis; Neurofibromatosis-Noonan syndrome; Juvenile myelomonocytic leukemia. Last evaluated: 2024-03-05. Review status: criteria provided, single submitter. Criteria: ACMG Guidelines, 2015. Collection method: clinical testing. Allele origin: germline.

Labcorp Genetics (formerly Invitae), Labcorp
Classification: Uncertain significance for Neurofibromatosis, type 1. Last evaluated: 2020-07-07. Review status: criteria provided, single submitter. Criteria: Invitae Variant Classification Sherloc (09022015). Collection method: clinical testing. Allele origin: germline.
Comment: This sequence change replaces threonine with arginine at codon 1184 of the NF1 protein (p.Thr1184Arg). The threonine residue is moderately conserved and there is a moderate physicochemical difference between threonine and arginine. In summary, the available evidence is currently insufficient to determine the role of this variant in disease. Therefore, it has been classified as a Variant of Uncertain Significance. Algorithms developed to predict the effect of missense changes on protein structure and function are either unavailable or do not agree on the potential impact of this missense change (SIFT: "Tolerated"; PolyPhen-2: "Probably Damaging"; Align-GVGD: "Class C0"). This variant has not been reported in the literature in individuals with NF1-related conditions. This variant is present in population databases (rs752850053, ExAC 0.01%).

NM_001042492.3(NF1):c.3551C>G (p.Thr1184Arg)

Gene: NF1 (neurofibromin 1; plus strand). Cytogenetic location: 17q11.2.
Variant type: single nucleotide variant.
Coding change: c.3551C>G on transcript NM_001042492.3 (MANE Select); coding-DNA position 3551, C replaced by G.
Protein change: p.Thr1184Arg; replaces threonine 1184 with arginine.
Molecular consequence: missense variant.
Genome position (GRCh38, 1-based): chr17:31,233,056, C>G. VCF-style: chr17-31233056-C-G. GRCh37 (hg19) VCF-style: chr17-29560074-C-G.
Other names: c.3551C>G, p.Thr1184Arg (NM_000267.4); short protein forms T1184R.
Identifiers: ClinVar variation 1054420 (VCV001054420.7), dbSNP rs752850053, ClinGen allele CA8486192.